The following is an entry in ClinVar:

NM_001378414.1(HDAC4):c.978+8C>G

Gene: HDAC4 (histone deacetylase 4; minus strand). Cytogenetic location: 2q37.3.
Variant type: single nucleotide variant.
Coding change: c.978+8C>G on transcript NM_001378414.1 (MANE Select); 8 bases into the intron after coding-DNA position 978, C replaced by G.
Molecular consequence: intron variant.
Genome position (GRCh38, 1-based): chr2:239,139,676, G>C on the plus strand (C>G on the coding strand, the complement: HDAC4 is on the minus strand). VCF-style: chr2-239139676-G-C. GRCh37 (hg19) VCF-style: chr2-240061372-G-C.
Other names: c.978+8C>G (NM_001378417.1, NM_001378415.1, NM_001378416.1 and 1 more transcripts).
Identifiers: ClinVar variation 2652077 (VCV002652077.24), dbSNP rs371705406, ClinGen allele CA2199983.

ClinVar aggregate classification (germline): Likely benign (1 of 4 stars; one submission).

gnomAD v4.1: 5 of 1,610,872 alleles (0.00031%); highest among the groups gnomAD compares: Non-Finnish European, 0.00042%; no homozygotes.

Submission:

CeGaT Center for Human Genetics Tuebingen
Classification: Likely benign. Last evaluated: 2023-10-01. Review status: criteria provided, single submitter. Criteria: CeGaT Center For Human Genetics Tuebingen Variant Classification Criteria Version 2. Collection method: clinical testing. Allele origin: germline. Affected: yes. Observed: 1 variant allele.
Comment: HDAC4: BP4